The following is an entry in ClinVar:

ClinVar aggregate classification (germline): Likely pathogenic (1 of 4 stars; one submission).

Conditions:
Primary ciliary dyskinesia. Also called: Ciliary dyskinesia. Identifiers: Orphanet 244, MedGen C0008780, MONDO:0016575, HP:0012265.

Allele frequency attached by ClinVar (database versions not stated): gnomAD exomes below 0.00001.

Submission:

Labcorp Genetics (formerly Invitae), Labcorp
Classification: Likely pathogenic for Primary ciliary dyskinesia. Last evaluated: 2023-06-16. Review status: criteria provided, single submitter. Criteria: Invitae Variant Classification Sherloc (09022015). Collection method: clinical testing. Allele origin: germline.
Comment: In summary, the currently available evidence indicates that the variant is pathogenic, but additional data are needed to prove that conclusively. Therefore, this variant has been classified as Likely Pathogenic. Algorithms developed to predict the effect of sequence changes on RNA splicing suggest that this variant may disrupt the consensus splice site. ClinVar contains an entry for this variant (Variation ID: 954562). This variant has not been reported in the literature in individuals affected with DNAH5-related conditions. This variant is not present in population databases (gnomAD no frequency). This sequence change affects an acceptor splice site in intron 38 of the DNAH5 gene. It is expected to disrupt RNA splicing. Variants that disrupt the donor or acceptor splice site typically lead to a loss of protein function (PMID: 16199547), and loss-of-function variants in DNAH5 are known to be pathogenic (PMID: 11788826, 16627867).

Literature cited by the submitters: PubMed 16199547; PubMed 11788826; PubMed 16627867.

NM_001369.3(DNAH5):c.6445-2A>G

Gene: DNAH5 (dynein axonemal heavy chain 5; minus strand). Cytogenetic location: 5p15.2.
Variant type: single nucleotide variant.
Coding change: c.6445-2A>G on transcript NM_001369.3 (MANE Select); the canonical splice acceptor site of the intron before coding-DNA position 6445, A replaced by G.
Molecular consequence: splice acceptor variant.
Genome position (GRCh38, 1-based): chr5:13,824,335, T>C on the plus strand (A>G on the coding strand, the complement: DNAH5 is on the minus strand). VCF-style: chr5-13824335-T-C. GRCh37 (hg19) VCF-style: chr5-13824444-T-C.
Identifiers: ClinVar variation 954562 (VCV000954562.6), dbSNP rs1309120344, ClinGen allele CA359198194.